The following is an entry in ClinVar:

ClinVar aggregate classification (germline): Pathogenic (1 of 4 stars; one submission).

Submission:

Labcorp Genetics (formerly Invitae), Labcorp
Classification: Pathogenic. Last evaluated: 2025-05-27. Review status: criteria provided, single submitter. Criteria: Invitae Variant Classification Sherloc (09022015). Collection method: clinical testing. Allele origin: germline.
Comment: This sequence change creates a premature translational stop signal (p.Ser1471Cysfs*12) in the SZT2 gene. It is expected to result in an absent or disrupted protein product. Loss-of-function variants in SZT2 are known to be pathogenic (PMID: 23932106, 27248490, 28556953). This variant is present in population databases (no rsID available, gnomAD 0.007%). This variant has not been reported in the literature in individuals affected with SZT2-related conditions. Algorithms developed to predict the effect of sequence changes on RNA splicing suggest that this variant may disrupt the consensus splice site. For these reasons, this variant has been classified as Pathogenic.

Literature cited by the submitters: PubMed 23932106; PubMed 27248490; PubMed 28556953.

NM_001365999.1(SZT2):c.4583_4584del (p.Ser1528fs)

Gene: SZT2 (SZT2 subunit of KICSTOR complex; plus strand). Cytogenetic location: 1p34.2.
Variant type: Microsatellite.
Coding change: c.4583_4584del on transcript NM_001365999.1 (MANE Select); coding-DNA positions 4583 to 4584, 2 bases deleted (CT; older notation c.4583_4584delCT).
Protein change: p.Ser1528fs; shifts the reading frame from serine 1528.
Molecular consequence: frameshift variant.
Genome position (GRCh38, 1-based): chr1:43,430,598-43,430,599, CT deleted; deleting any 2 consecutive bases within chr1:43,430,596-43,430,599 gives the same sequence; the c. name uses the placement nearest the transcript's 3' end. VCF-style (leftmost placement, unchanged base first): chr1-43430595-ACT-A. GRCh37 (hg19) VCF-style: chr1-43896266-ACT-A.
Other names: c.4412_4413del, p.Ser1471fs (NM_015284.4); short protein forms S1471fs, S1528fs.
Identifiers: ClinVar variation 4719923 (VCV004719923.1).